The following is an entry in ClinVar:

ClinVar aggregate classification (germline): Likely pathogenic (1 of 4 stars; one submission).

Submission:

Labcorp Genetics (formerly Invitae), Labcorp
Classification: Likely pathogenic. Last evaluated: 2020-11-18. Review status: criteria provided, single submitter. Criteria: Invitae Variant Classification Sherloc (09022015). Collection method: clinical testing. Allele origin: germline.
Comment: This sequence change affects an acceptor splice site in intron 3 of the RIPK1 gene. It is expected to disrupt RNA splicing. Variants that disrupt the donor or acceptor splice site typically lead to a loss of protein function (PMID: 16199547), and loss-of-function variants in RIPK1 are known to be pathogenic (PMID: 31213653). In summary, the currently available evidence indicates that the variant is pathogenic, but additional data are needed to prove that conclusively. Therefore, this variant has been classified as Likely Pathogenic. Algorithms developed to predict the effect of sequence changes on RNA splicing suggest that this variant may disrupt the consensus splice site, but this prediction has not been confirmed by published transcriptional studies. This variant has not been reported in the literature in individuals with RIPK1-related conditions. This variant is not present in population databases (ExAC no frequency).

Literature cited by the submitters: PubMed 16199547; PubMed 31213653.

NM_001354930.2(RIPK1):c.322-1G>C

Gene: RIPK1 (receptor interacting serine/threonine kinase 1; plus strand). Cytogenetic location: 6p25.2.
Variant type: single nucleotide variant.
Coding change: c.322-1G>C on transcript NM_001354930.2 (MANE Select); the canonical splice acceptor site of the intron before coding-DNA position 322, G replaced by C.
Molecular consequence: splice acceptor variant. On other transcripts: intron variant (1).
Genome position (GRCh38, 1-based): chr6:3,080,978, G>C. VCF-style: chr6-3080978-G-C. GRCh37 (hg19) VCF-style: chr6-3081212-G-C.
Other names: c.-282-1G>C (NM_001317061.3, NM_001354932.2, NM_001354934.2 and 1 more transcripts); c.322-1G>C (NM_003804.6); c.322-2107G>C (NM_001354931.2).
Identifiers: ClinVar variation 1498963 (VCV001498963.8), dbSNP rs2113596006, ClinGen allele CA362576188.